The following is an entry in ClinVar:

ClinVar aggregate classification (germline): Uncertain significance. Review status: criteria provided, multiple submitters, no conflicts (2 of 4 stars). 2 submissions from 2 submitters: Uncertain significance (2). Last evaluated 2023-06-18.

Conditions:
Hereditary cancer-predisposing syndrome. Also called: Neoplastic Syndromes, Hereditary; Tumor predisposition; Hereditary Cancer Syndrome; Hereditary neoplastic syndrome. Identifiers: Orphanet 140162, MedGen C0027672, MeSH D009386, MONDO:0015356.

Allele frequency attached by ClinVar (database versions not stated): gnomAD exomes below 0.00001; ExAC 0.00001.
gnomAD v4.1: 1 of 1,608,926 alleles (0.000062%); highest among the groups gnomAD compares: South Asian, 0.0011%; no homozygotes.

Submissions (2):

Ambry Genetics
Classification: Uncertain significance for Hereditary cancer-predisposing syndrome. Last evaluated: 2023-06-18. Review status: criteria provided, single submitter. Criteria: Ambry Variant Classification Scheme 2023. Collection method: clinical testing. Allele origin: germline.
Comment: The p.F66C variant (also known as c.197T>G), located in coding exon 2 of the RAD50 gene, results from a T to G substitution at nucleotide position 197. The phenylalanine at codon 66 is replaced by cysteine, an amino acid with highly dissimilar properties. This amino acid position is conserved. In addition, this alteration is predicted to be deleterious by in silico analysis. Since supporting evidence is limited at this time, the clinical significance of this alteration remains unclear.

Labcorp Genetics (formerly Invitae), Labcorp
Classification: Uncertain significance for Hereditary cancer-predisposing syndrome. Last evaluated: 2018-07-26. Review status: criteria provided, single submitter. Criteria: Invitae Variant Classification Sherloc (09022015). Collection method: clinical testing. Allele origin: germline.
Comment: This variant is present in population databases (rs761221487, ExAC 0.006%). In summary, the available evidence is currently insufficient to determine the role of this variant in disease. Therefore, it has been classified as a Variant of Uncertain Significance. Algorithms developed to predict the effect of missense changes on protein structure and function are either unavailable or do not agree on the potential impact of this missense change (SIFT: "Deleterious"; PolyPhen-2: "Probably Damaging"; Align-GVGD: "Class C0"). This variant has not been reported in the literature in individuals with RAD50-related disease. This sequence change replaces phenylalanine with cysteine at codon 66 of the RAD50 protein (p.Phe66Cys). The phenylalanine residue is highly conserved and there is a large physicochemical difference between phenylalanine and cysteine.

NM_005732.4(RAD50):c.197T>G (p.Phe66Cys)

Gene: RAD50 (RAD50 double strand break repair protein; plus strand). Cytogenetic location: 5q31.1.
Variant type: single nucleotide variant.
Coding change: c.197T>G on transcript NM_005732.4 (MANE Select); coding-DNA position 197, T replaced by G.
Protein change: p.Phe66Cys; replaces phenylalanine 66 with cysteine.
Molecular consequence: missense variant.
Genome position (GRCh38, 1-based): chr5:132,559,351, T>G. VCF-style: chr5-132559351-T-G. GRCh37 (hg19) VCF-style: chr5-131895043-T-G.
Other names: short protein forms F66C.
Identifiers: ClinVar variation 653503 (VCV000653503.10), dbSNP rs761221487, ClinGen allele CA3404920.